The following is an entry in ClinVar:

ClinVar aggregate classification (germline): Likely benign. Review status: criteria provided, multiple submitters, no conflicts (2 of 4 stars). 4 submissions from 4 submitters: Likely benign (3). 1 of the submissions does not count toward it. Last evaluated 2026-09-03.

Conditions:
Hermansky-Pudlak syndrome (HPS). Also called: ALBINISM WITH HEMORRHAGIC DIATHESIS AND PIGMENTED RETICULOENDOTHELIAL CELLS. Identifiers: Orphanet 79430, MedGen C0079504, MONDO:0019312.
HPS3-related disorder. Also called: HPS3-related condition.
Hermansky-Pudlak syndrome 3 (HPS3). Identifiers: Orphanet 231512, Orphanet 79430, MedGen C3888001, MONDO:0013555, OMIM 614072.

Allele frequency attached by ClinVar (database versions not stated): gnomAD 0.00008 and 0.00009; TOPMed 0.00014.

Submissions (4):

PreventionGenetics, part of Exact Sciences
Classification: Likely benign for HPS3-related condition. Last evaluated: 2026-09-03. Review status: criteria provided, single submitter. Criteria: ACMG Guidelines, 2015. Collection method: clinical testing. Allele origin: germline.
Comment: This variant is classified as likely benign based on ACMG/AMP sequence variant interpretation guidelines (Richards et al. 2015 PMID: 25741868, with internal and published modifications).

Labcorp Genetics (formerly Invitae), Labcorp
Classification: Likely benign. Last evaluated: 2026-01-13. Review status: criteria provided, single submitter. Criteria: Invitae Variant Classification Sherloc (09022015). Collection method: clinical testing. Allele origin: germline.

Illumina Laboratory Services, Illumina
Classification: Likely benign for Hermansky-Pudlak syndrome 3. Last evaluated: 2018-01-13. Review status: criteria provided, single submitter. Criteria: ICSL Variant Classification Criteria 13 December 2019. Collection method: clinical testing. Allele origin: germline.
Comment: This variant was observed in the ICSL laboratory as part of a predisposition screen in an ostensibly healthy population. It had not been previously curated by ICSL or reported in the Human Gene Mutation Database (HGMD: prior to June 1st, 2018), and was therefore a candidate for classification through an automated scoring system. Utilizing variant allele frequency, disease prevalence and penetrance estimates, and inheritance mode, an automated score was calculated to assess if this variant is too frequent to cause the disease. Based on the score and internal cut-off values, a variant classified as likely benign is not then subjected to further curation. The score for this variant resulted in a classification of likely benign for this disease.

Natera, Inc.
Classification: Likely benign for Hermansky-Pudlak syndrome. Last evaluated: 2020-01-07. Review status: no assertion criteria provided. Collection method: clinical testing. Allele origin: germline. Not counted in ClinVar's aggregate classification.

NM_032383.5(HPS3):c.1228A>G (p.Met410Val)

Gene: HPS3 (HPS3 biogenesis of lysosomal organelles complex 2 subunit 1; plus strand). Cytogenetic location: 3q24.
Variant type: single nucleotide variant.
Coding change: c.1228A>G on transcript NM_032383.5 (MANE Select); coding-DNA position 1228, A replaced by G.
Protein change: p.Met410Val; replaces methionine 410 with valine.
Molecular consequence: missense variant.
Genome position (GRCh38, 1-based): chr3:149,150,663, A>G. VCF-style: chr3-149150663-A-G. GRCh37 (hg19) VCF-style: chr3-148868450-A-G.
Other names: c.733A>G, p.Met245Val (NM_001308258.2); short protein forms M245V, M410V.
Identifiers: ClinVar variation 762372 (VCV000762372.16), dbSNP rs756295432, ClinGen allele CA2660037.